The following is an entry in ClinVar:

ClinVar aggregate classification (germline): Likely benign (0 of 4 stars; one submission).

Conditions:
CUL4B-related disorder. Also called: CUL4B-related condition.

Submission:

PreventionGenetics, part of Exact Sciences
Classification: Likely benign for CUL4B-related condition. Last evaluated: 2021-05-26. Review status: no assertion criteria provided. Collection method: clinical testing. Allele origin: germline.
Comment: This variant is classified as likely benign based on ACMG/AMP sequence variant interpretation guidelines (Richards et al. 2015 PMID: 25741868, with internal and published modifications).

NM_001079872.2(CUL4B):c.1989C>A (p.Ile663=)

Gene: CUL4B (cullin 4B; minus strand). Cytogenetic location: Xq24.
Variant type: single nucleotide variant.
Coding change: c.1989C>A on transcript NM_001079872.2 (MANE Select); coding-DNA position 1989, C replaced by A.
Protein change: p.Ile663=; no amino-acid change (isoleucine 663 retained).
Molecular consequence: synonymous variant.
Genome position (GRCh38, 1-based): chrX:120,536,984, G>T on the plus strand (C>A on the coding strand, the complement: CUL4B is on the minus strand). VCF-style: chrX-120536984-G-T. GRCh37 (hg19) VCF-style: chrX-119670839-G-T.
Other names: c.2004C>A, p.Ile668= (NM_001330624.2); c.1455C>A, p.Ile485= (NM_001369145.1); c.2043C>A, p.Ile681= (NM_003588.4).
Identifiers: ClinVar variation 3357139 (VCV003357139.1).